The following is an entry in ClinVar:

NM_001374828.1(ARID1B):c.4510G>A (p.Gly1504Arg)

Gene: ARID1B (AT-rich interaction domain 1B; plus strand). Cytogenetic location: 6q25.3.
Variant type: single nucleotide variant.
Coding change: c.4510G>A on transcript NM_001374828.1 (MANE Select); coding-DNA position 4510, G replaced by A.
Protein change: p.Gly1504Arg; replaces glycine 1504 with arginine.
Molecular consequence: missense variant.
Genome position (GRCh38, 1-based): chr6:157,200,735, G>A. VCF-style: chr6-157200735-G-A. GRCh37 (hg19) VCF-style: chr6-157521869-G-A.
Other names: c.4261G>A, p.Gly1421Arg (NM_001346813.1); c.2011G>A, p.Gly671Arg (NM_001363725.2); c.4390G>A, p.Gly1464Arg (NM_001371656.1, NM_001374820.1); c.4351G>A, p.Gly1451Arg (NM_017519.3); c.4141G>A, p.Gly1381Arg (NM_020732.3); c.3928G>A, p.Gly1310Arg (NM_175863.2); short protein forms G1310R, G1381R, G1421R, G1451R, G1464R, G1504R, G671R.
Identifiers: ClinVar variation 1805809 (VCV001805809.1), dbSNP rs1423681879, ClinGen allele CA366240741.
Genomic context (GRCh38, chr6:157,200,735, plus strand): 5'-CAGGATGATTTGTCTTTCTGTGAATTCCAGAATTACAAACGCCATATGGACGGCATGTAC[G>A]GGCCCCCAGCCAAGCGCCACGAGGGCGACATGTACAACATGCAGTACAGCAGCCAGCAGC-3'
Protein context (NP_001361757.1, residues 1494-1514): NYKRHMDGMY[Gly1504Arg]PPAKRHEGDM

ClinVar aggregate classification (germline): Uncertain significance (1 of 4 stars; one submission).

Conditions:
Coffin-Siris syndrome 1 (CSS1). Also called: ARID1B-Related Coffin-Siris Syndrome; Mental retardation, autosomal dominant 12. Identifiers: Orphanet 1465, MedGen C3281201, MONDO:0007617, OMIM 135900. Disease mechanism: gain of function.

Allele frequency attached by ClinVar (database versions not stated): gnomAD 0.00001; gnomAD exomes 0.00001.
gnomAD v4.1: 12 of 1,612,688 alleles (0.00074%); highest among the groups gnomAD compares: East Asian, 0.0067%; no homozygotes.

Submission:

Victorian Clinical Genetics Services, Murdoch Childrens Research Institute
Classification: Uncertain significance for Coffin-Siris syndrome 1. Last evaluated: 2020-05-21. Review status: criteria provided, single submitter. Criteria: ACMG Guidelines, 2015. Collection method: clinical testing. Allele origin: germline. Inheritance: Autosomal dominant inheritance. Affected: yes.
Comment: A heterozygous missense variant was identified, NM_020732.3(ARID1B):c.4141G>A in exon 18 of 20 of the ARID1B gene. This substitution is predicted to create a major amino acid change from a glycine to an arginine at position 1381 of the protein; NP_065783.3(ARID1B):p.(Gly1381Arg). The glycine at this position has high conservation (100 vertebrates, UCSC), and is located within a nuclear localisation signal (UniProt). In silico software predictions of the pathogenicity of this variant are conflicting (PolyPhen2, PROVEAN, MutationAssessor, FATHMM). The variant is present in the gnomAD population database at a frequency of 0.0004% (1 heterozygote, 0 homozygotes). An alternative residue change at the same location has been reported in the gnomAD database at a frequency of 0.0032% with a reduced allele count. This variant has not previously been reported in clinical cases. Based on information available at the time of curation, this variant has been classified as a VUS.